The following is an entry in ClinVar:

NM_001754.5(RUNX1):c.777T>G (p.Phe259Leu)

Gene: RUNX1 (RUNX family transcription factor 1; minus strand). Cytogenetic location: 21q22.12.
Variant type: single nucleotide variant.
Coding change: c.777T>G on transcript NM_001754.5 (MANE Select); coding-DNA position 777, T replaced by G.
Protein change: p.Phe259Leu; replaces phenylalanine 259 with leucine.
Molecular consequence: missense variant.
Genome position (GRCh38, 1-based): chr21:34,834,438, A>C on the plus strand (T>G on the coding strand, the complement: RUNX1 is on the minus strand). VCF-style: chr21-34834438-A-C. GRCh37 (hg19) VCF-style: chr21-36206735-A-C.
Other names: c.696T>G, p.Phe232Leu (NM_001001890.3, NM_001122607.2); short protein forms F259L, F232L.
Identifiers: ClinVar variation 3948872 (VCV003948872.1).

ClinVar aggregate classification (germline): Uncertain significance (1 of 4 stars; one submission).

Conditions:
Inborn genetic diseases. Identifiers: MedGen C0950123, MeSH D030342.

Submission:

Ambry Genetics
Classification: Uncertain significance for Inborn genetic diseases. Last evaluated: 2025-04-22. Review status: criteria provided, single submitter. Criteria: Ambry Variant Classification Scheme 2023. Collection method: clinical testing. Allele origin: germline.
Comment: The p.F259L variant (also known as c.777T>G), located in coding exon 6 of the RUNX1 gene, results from a T to G substitution at nucleotide position 777. The phenylalanine at codon 259 is replaced by leucine, an amino acid with highly similar properties. This amino acid position is conserved. In addition, the in silico prediction for this alteration is inconclusive. Based on the available evidence, the clinical significance of this variant remains unclear.